The following is an entry in ClinVar:

NM_014727.3(KMT2B):c.7693C>T (p.Arg2565Cys)

Gene: KMT2B (lysine methyltransferase 2B; plus strand). Cytogenetic location: 19q13.12.
Variant type: single nucleotide variant.
Coding change: c.7693C>T on transcript NM_014727.3 (MANE Select); coding-DNA position 7693, C replaced by T.
Protein change: p.Arg2565Cys; replaces arginine 2565 with cysteine.
Molecular consequence: missense variant.
Genome position (GRCh38, 1-based): chr19:35,737,893, C>T. VCF-style: chr19-35737893-C-T. GRCh37 (hg19) VCF-style: chr19-36228794-C-T.
Other names: short protein forms R2565C.
Identifiers: ClinVar variation 1679119 (VCV001679119.1), dbSNP rs2146481783, ClinGen allele CA405438290.

ClinVar aggregate classification (germline): Uncertain significance (1 of 4 stars; one submission).

Conditions:
Dystonia 28, childhood-onset (DYT28). Also called: KMT2B-Related Dystonia (DYT-KMT2B). Identifiers: Orphanet 589618, MedGen C4310633, MONDO:0015004, OMIM 617284.

Submission:

Institute of Human Genetics, University of Leipzig Medical Center
Classification: Uncertain significance for Dystonia 28, childhood-onset. Last evaluated: 2022-03-09. Review status: criteria provided, single submitter. Criteria: ACMG Guidelines, 2015. Collection method: clinical testing. Allele origin: de novo. Affected: yes.
Comment: This variant was identified as de novo (maternity and paternity confirmed)._x000D_ Criteria applied: PS2_MOD, PM2_SUP, PP2_SUP, PP3_SUP